The following is an entry in ClinVar:

ClinVar aggregate classification (germline): Likely pathogenic (1 of 4 stars; one submission).

Conditions:
Jeune thoracic dystrophy. Also called: Jeune syndrome; Infantile thoracic dystrophy; Thoracic pelvic phalangeal dystrophy; Jeune's syndrome; Chondroectodermal dysplasia-like syndrome; Short-rib thoracic dysplasia. Identifiers: Orphanet 474, MedGen C0265275, MONDO:0018770.

gnomAD v4.1: 1 of 1,611,496 alleles (0.000062%); highest among the groups gnomAD compares: African/African-American, 0.0013%; no homozygotes.

Submission:

Labcorp Genetics (formerly Invitae), Labcorp
Classification: Likely pathogenic for Jeune thoracic dystrophy. Last evaluated: 2025-04-07. Review status: criteria provided, single submitter. Criteria: Invitae Variant Classification Sherloc (09022015). Collection method: clinical testing. Allele origin: germline.
Comment: This sequence change replaces tyrosine, which is neutral and polar, with cysteine, which is neutral and slightly polar, at codon 1966 of the DYNC2H1 protein (p.Tyr1966Cys). This variant is present in population databases (no rsID available, gnomAD 0.007%). This missense change has been observed in individual(s) with clinical features of autosomal recessive DYNC2H1-related conditions (internal data). It has also been observed to segregate with disease in related individuals. Invitae Evidence Modeling of protein sequence and biophysical properties (such as structural, functional, and spatial information, amino acid conservation, physicochemical variation, residue mobility, and thermodynamic stability) indicates that this missense variant is expected to disrupt DYNC2H1 protein function with a positive predictive value of 95%. In summary, the currently available evidence indicates that the variant is pathogenic, but additional data are needed to prove that conclusively. Therefore, this variant has been classified as Likely Pathogenic.

NM_001377.3(DYNC2H1):c.5897A>G (p.Tyr1966Cys)

Gene: DYNC2H1 (dynein cytoplasmic 2 heavy chain 1; plus strand). Cytogenetic location: 11q22.3.
Variant type: single nucleotide variant.
Coding change: c.5897A>G on transcript NM_001377.3 (MANE Select); coding-DNA position 5897, A replaced by G.
Protein change: p.Tyr1966Cys; replaces tyrosine 1966 with cysteine.
Molecular consequence: missense variant.
Genome position (GRCh38, 1-based): chr11:103,177,578, A>G. VCF-style: chr11-103177578-A-G. GRCh37 (hg19) VCF-style: chr11-103048307-A-G.
Other names: c.5897A>G, p.Tyr1966Cys (NM_001080463.2); short protein forms Y1966C.
Identifiers: ClinVar variation 4768577 (VCV004768577.1).
Genomic context (GRCh38, chr11:103,177,578, plus strand): 5'-ATTATAAATCATATATGAACATATTTCTTTCCTACTAGATCAAAAAGGCTTTAGAATTGT[A>G]TGAACAGTTATGCCAGAGGATGGGAGTTGTTATTGTTGGTCCAAGTGGTGCTGGAAAATC-3'
Protein context (NP_001368.2, residues 1956-1976): PNQIKKALEL[Tyr1966Cys]EQLCQRMGVV